The following is an entry in ClinVar:

NM_000350.3(ABCA4):c.1700T>C (p.Val567Ala)

Gene: ABCA4 (ATP binding cassette subfamily A member 4; minus strand). Cytogenetic location: 1p22.1.
Variant type: single nucleotide variant.
Coding change: c.1700T>C on transcript NM_000350.3 (MANE Select); coding-DNA position 1700, T replaced by C.
Protein change: p.Val567Ala; replaces valine 567 with alanine.
Molecular consequence: missense variant.
Genome position (GRCh38, 1-based): chr1:94,063,172, A>G on the plus strand (T>C on the coding strand, the complement: ABCA4 is on the minus strand). VCF-style: chr1-94063172-A-G. GRCh37 (hg19) VCF-style: chr1-94528728-A-G.
Other names: c.1700T>C, p.Val567Ala (NM_001425324.1); short protein forms V567A.
Identifiers: ClinVar variation 1935855 (VCV001935855.2), dbSNP rs774819519, ClinGen allele CA958450.
Genomic context (GRCh38, chr1:94,063,172, plus strand): 5'-CTGTCTTTAATCTTATTGGTTTTCTCCACCACGTCTATGTCCATTCGGATCTTATACTTC[A>G]CGTGGGGTGGTAGAGAGCTGGTCCAGGGATACATGTCAGGGAATACCACTCCGGCCCAGA-3'
Protein context (NP_000341.2, residues 557-577): YPWTSSLPPH[Val567Ala]KYKIRMDIDV

ClinVar aggregate classification (germline): Uncertain significance (1 of 4 stars; one submission).

Allele frequency attached by ClinVar (database versions not stated): gnomAD exomes below 0.00001; gnomAD 0.00001; TOPMed 0.00001; ExAC 0.00002.
gnomAD v4.1: 5 of 1,613,898 alleles (0.00031%); highest among the groups gnomAD compares: African/African-American, 0.0067%; no homozygotes.

Submission:

Labcorp Genetics (formerly Invitae), Labcorp
Classification: Uncertain significance. Last evaluated: 2022-04-07. Review status: criteria provided, single submitter. Criteria: Invitae Variant Classification Sherloc (09022015). Collection method: clinical testing. Allele origin: germline.
Comment: This sequence change replaces valine, which is neutral and non-polar, with alanine, which is neutral and non-polar, at codon 567 of the ABCA4 protein (p.Val567Ala). This variant is present in population databases (rs774819519, gnomAD 0.01%). This variant has not been reported in the literature in individuals affected with ABCA4-related conditions. Advanced modeling of protein sequence and biophysical properties (such as structural, functional, and spatial information, amino acid conservation, physicochemical variation, residue mobility, and thermodynamic stability) performed at Invitae indicates that this missense variant is expected to disrupt ABCA4 protein function. In summary, the available evidence is currently insufficient to determine the role of this variant in disease. Therefore, it has been classified as a Variant of Uncertain Significance.